The following is an entry in ClinVar:

NM_000516.7(GNAS):c.551T>C (p.Val184Ala)

Gene: GNAS (GNAS complex locus; plus strand). Cytogenetic location: 20q13.32.
Variant type: single nucleotide variant.
Coding change: c.551T>C on transcript NM_000516.7 (MANE Select); coding-DNA position 551, T replaced by C.
Protein change: p.Val184Ala; replaces valine 184 with alanine.
Molecular consequence: missense variant. On other transcripts: 3 prime UTR variant (2).
Genome position (GRCh38, 1-based): chr20:58,909,182, T>C. VCF-style: chr20-58909182-T-C. GRCh37 (hg19) VCF-style: chr20-57484237-T-C.
Other names: c.554T>C, p.Val185Ala (NM_001077488.5); c.506T>C, p.Val169Ala (NM_001077489.4); c.*412T>C (NM_001077490.3); c.374T>C, p.Val125Ala (NM_001309840.2, NM_001309861.2); c.455T>C, p.Val152Ala (NM_001410912.1); c.2435T>C, p.Val812Ala (NM_001410913.1); c.*457T>C (NM_016592.5); c.2480T>C, p.Val827Ala (NM_080425.4); and 2 more; short protein forms V152A, V169A, V185A, V170A, V184A, V125A, V812A, V827A.
Identifiers: ClinVar variation 1971577 (VCV001971577.6), dbSNP rs2091271548, ClinGen allele CA409451985.
Genomic context (GRCh38, chr20:58,909,182, plus strand): 5'-AGCGCTGTGAACACCCCACGTGTCTTTCTTTTTCTCCCAGCTTCCTGGACAAGATCGACG[T>C]GATCAAGCAGGCTGACTATGTGCCGAGCGATCAGGTGTGCAAAACCCCTCCCCACCAGAG-3'
Protein context (NP_000507.1, residues 174-194): CAQYFLDKID[Val184Ala]IKQADYVPSD

ClinVar aggregate classification (germline): Uncertain significance. Review status: criteria provided, single submitter (1 of 4 stars). 2 submissions from 2 submitters: Uncertain significance (1). 1 of the submissions does not count toward it. Last evaluated 2023-01-20.

Conditions:
GNAS-related disorder. Identifiers: MedGen CN380105.

Allele frequency attached by ClinVar (database versions not stated): TOPMed below 0.00001.

Submissions (2):

Labcorp Genetics (formerly Invitae), Labcorp
Classification: Uncertain significance. Last evaluated: 2023-01-20. Review status: criteria provided, single submitter. Criteria: Invitae Variant Classification Sherloc (09022015). Collection method: clinical testing. Allele origin: germline.
Comment: This sequence change replaces valine, which is neutral and non-polar, with alanine, which is neutral and non-polar, at codon 184 of the GNAS protein (p.Val184Ala). This variant is not present in population databases (gnomAD no frequency). In summary, the available evidence is currently insufficient to determine the role of this variant in disease. Therefore, it has been classified as a Variant of Uncertain Significance. Advanced modeling of protein sequence and biophysical properties (such as structural, functional, and spatial information, amino acid conservation, physicochemical variation, residue mobility, and thermodynamic stability) performed at Invitae indicates that this missense variant is not expected to disrupt GNAS protein function. This variant has not been reported in the literature in individuals affected with GNAS-related conditions.

PreventionGenetics, part of Exact Sciences
Classification: Uncertain significance for GNAS-related condition. Last evaluated: 2024-09-09. Review status: no assertion criteria provided. Collection method: clinical testing. Allele origin: germline. Not counted in ClinVar's aggregate classification.
Comment: The GNAS c.551T>C variant is predicted to result in the amino acid substitution p.Val184Ala. To our knowledge, this variant has not been reported in the literature or in a large population database, indicating this variant is rare. At this time, the clinical significance of this variant is uncertain due to the absence of conclusive functional and genetic evidence.